The following is an entry in ClinVar:

NM_016373.4(WWOX):c.310C>T (p.Arg104Trp)

Gene: WWOX (WW domain containing oxidoreductase; plus strand). Cytogenetic location: 16q23.1.
Variant type: single nucleotide variant.
Coding change: c.310C>T on transcript NM_016373.4 (MANE Select); coding-DNA position 310, C replaced by T.
Protein change: p.Arg104Trp; replaces arginine 104 with tryptophan.
Molecular consequence: missense variant. On other transcripts: 5 prime UTR variant (1), non-coding transcript variant (1).
Genome position (GRCh38, 1-based): chr16:78,115,055, C>T. VCF-style: chr16-78115055-C-T. GRCh37 (hg19) VCF-style: chr16-78148952-C-T.
Other names: c.-30C>T (NM_001291997.2); c.310C>T, p.Arg104Trp (NM_130791.5); short protein forms R104W.
Identifiers: ClinVar variation 473021 (VCV000473021.10), dbSNP rs750226191, ClinGen allele CA8183151.

ClinVar aggregate classification (germline): Uncertain significance. Review status: criteria provided, multiple submitters, no conflicts (2 of 4 stars). 2 submissions from 2 submitters: Uncertain significance (2). Last evaluated 2024-05-15.

Conditions:
Autosomal recessive spinocerebellar ataxia 12. Also called: SPINOCEREBELLAR ATAXIA WITH MENTAL RETARDATION AND EPILEPSY. Identifiers: Orphanet 284282, MedGen C3280452, MONDO:0013687, OMIM 614322.
Developmental and epileptic encephalopathy, 1 (DEE1). Also called: X-linked infantile spasms; West's syndrome; Tonic spasms with clustering, arrest of psychomotor development and hypsarrhythmia on EEG; X-Linked Infantile Spasm Syndrome; OHTAHARA SYNDROME, X-LINKED; INFANTILE SPASM SYNDROME, X-LINKED 1. Identifiers: MedGen C3463992, MONDO:0010632, OMIM 308350. Disease mechanism: loss of function.

Allele frequency attached by ClinVar (database versions not stated): TOPMed 0.00004.
gnomAD v4.1: 85 of 1,614,178 alleles (0.0053%); highest among the groups gnomAD compares: East Asian, 0.0067%; no homozygotes.

Submissions (2):

Labcorp Genetics (formerly Invitae), Labcorp
Classification: Uncertain significance for Developmental and epileptic encephalopathy, 1; Autosomal recessive spinocerebellar ataxia 12. Last evaluated: 2024-05-15. Review status: criteria provided, single submitter. Criteria: Invitae Variant Classification Sherloc (09022015). Collection method: clinical testing. Allele origin: germline.
Comment: This sequence change replaces arginine, which is basic and polar, with tryptophan, which is neutral and slightly polar, at codon 104 of the WWOX protein (p.Arg104Trp). This variant is present in population databases (rs750226191, gnomAD 0.01%). This variant has not been reported in the literature in individuals affected with WWOX-related conditions. ClinVar contains an entry for this variant (Variation ID: 473021). Advanced modeling of protein sequence and biophysical properties (such as structural, functional, and spatial information, amino acid conservation, physicochemical variation, residue mobility, and thermodynamic stability) performed at Invitae indicates that this missense variant is expected to disrupt WWOX protein function with a positive predictive value of 80%. In summary, the available evidence is currently insufficient to determine the role of this variant in disease. Therefore, it has been classified as a Variant of Uncertain Significance.

GeneDx
Classification: Uncertain significance. Last evaluated: 2019-10-10. Review status: criteria provided, single submitter. Criteria: GeneDx Variant Classification Process June 2021. Collection method: clinical testing. Allele origin: germline. Affected: yes.
Comment: Not observed at a significant frequency in large population cohorts (Lek et al., 2016); In silico analysis, which includes protein predictors and evolutionary conservation, supports a deleterious effect; Has not been previously published as pathogenic or benign to our knowledge